The following is an entry in ClinVar:

ClinVar aggregate classification (germline): Conflicting classifications of pathogenicity. Review status: criteria provided, conflicting classifications (1 of 4 stars). 7 submissions from 7 submitters: Uncertain significance (5); Likely benign (2). Last evaluated 2025-07-18.

Conditions:
Osteogenesis imperfecta type I (OI1). Also called: Lobstein's Disease; OI, TYPE I; OSTEOGENESIS IMPERFECTA TARDA; OSTEOGENESIS IMPERFECTA WITH BLUE SCLERAE; Osteogenesis imperfecta type 1; Classic Non-deforming Osteogenesis Imperfecta with Blue Sclerae. Identifiers: Orphanet 216796, Orphanet 666, MedGen C0023931, MONDO:0008146, OMIM 166200. Disease mechanism: loss of function.
Cardiovascular phenotype. Identifiers: MedGen CN230736.
COL1A1-related disorder. Also called: COL1A1-related condition; COL1A1- related disease.

Allele frequency attached by ClinVar (database versions not stated): ExAC 0.00002; TOPMed 0.00002; gnomAD 0.00003.
gnomAD v4.1: 51 of 1,612,776 alleles (0.0032%); highest among the groups gnomAD compares: Middle Eastern, 0.066%; no homozygotes.

Submissions (7):

Women's Health and Genetics/Laboratory Corporation of America, LabCorp
Classification: Uncertain significance. Last evaluated: 2025-07-18. Review status: criteria provided, single submitter. Criteria: LabCorp Variant Classification Summary - May 2015. Collection method: clinical testing. Allele origin: germline.
Comment: Variant summary: COL1A1 c.4369G>A (p.Asp1457Asn) results in a conservative amino acid change in the encoded protein sequence. Algorithms developed to predict the effect of missense changes on protein structure and function are either unavailable or do not agree on the potential impact of this missense change. The variant allele was found at a frequency of 1.6e-05 in 250850 control chromosomes. c.4369G>A has been observed in individuals affected with Osteogenesis imperfecta type I (Mei_2022, Toni_2024). These data indicate that the variant may be associated with disease. To our knowledge, no experimental evidence demonstrating an impact on protein function has been reported. The following publications have been ascertained in the context of this evaluation (PMID: 35909573, 37019085). ClinVar contains an entry for this variant (Variation ID: 579236). Based on the evidence outlined above, the variant was classified as VUS-possibly pathogenic.

Labcorp Genetics (formerly Invitae), Labcorp
Classification: Likely benign for Osteogenesis imperfecta type I. Last evaluated: 2025-05-28. Review status: criteria provided, single submitter. Criteria: Invitae Variant Classification Sherloc (09022015). Collection method: clinical testing. Allele origin: germline.

PreventionGenetics, part of Exact Sciences
Classification: Uncertain significance for COL1A1-related condition. Last evaluated: 2025-05-22. Review status: criteria provided, single submitter. Criteria: ACMG Guidelines, 2015. Collection method: clinical testing. Allele origin: germline.
Comment: The COL1A1 c.4369G>A variant is predicted to result in the amino acid substitution p.Asp1457Asn. This variant was reported as paternally inherited in an individual with osteogenesis imperfecta, however it is unclear whether the father was affected (Table S4, Mei et al. 2022. PubMed ID: 35909573) and was also reported in an individual with short stature (Table 2, Toni et al. 2023. PubMed ID: 37019085). This variant is reported in 0.0047% of alleles in individuals of European (Non-Finnish) descent in gnomAD. This variant has classifications ranging from uncertain to likely benign in ClinVar. At this time, the clinical significance of this variant is uncertain due to the absence of conclusive functional and genetic evidence.

Ambry Genetics
Classification: Uncertain significance for Cardiovascular phenotype. Last evaluated: 2023-12-11. Review status: criteria provided, single submitter. Criteria: Ambry Variant Classification Scheme 2023. Collection method: clinical testing. Allele origin: germline.
Comment: The p.D1457N variant (also known as c.4369G>A), located in coding exon 51 of the COL1A1 gene, results from a G to A substitution at nucleotide position 4369. The aspartic acid at codon 1457 is replaced by asparagine, an amino acid with highly similar properties. This alteration has been reported in an osteogenesis imperfecta cohort and a short stature cohort (Mei Y et al. Front Endocrinol (Lausanne), 2022 Jul;13:935905; Toni L et al. Horm Res Paediatr, 2023 Apr;:). This amino acid position is not well conserved in available vertebrate species. In addition, this alteration is predicted to be tolerated by in silico analysis. Since supporting evidence is limited at this time, the clinical significance of this alteration remains unclear.

Blueprint Genetics
Classification: Uncertain significance. Last evaluated: 2023-08-21. Review status: criteria provided, single submitter. Criteria: ACMG Guidelines, 2015. Collection method: clinical testing. Allele origin: germline.

CeGaT Center for Human Genetics Tuebingen
Classification: Likely benign. Last evaluated: 2022-09-01. Review status: criteria provided, single submitter. Criteria: CeGaT Center For Human Genetics Tuebingen Variant Classification Criteria Version 2. Collection method: clinical testing. Allele origin: germline. Affected: yes. Observed: 1 variant allele.
Comment: COL1A1: PP2, BP4, BS2

GeneDx
Classification: Uncertain significance. Last evaluated: 2021-08-02. Review status: criteria provided, single submitter. Criteria: GeneDx Variant Classification Process June 2021. Collection method: clinical testing. Allele origin: germline. Affected: yes.
Comment: Has not been previously published as pathogenic or benign to our knowledge; In silico analysis supports that this missense variant has a deleterious effect on protein structure/function; Not located in the triple helical region, where the majority of pathogenic missense variants occur (Stenson et al., 2014); Reported in ClinVar as a variant of uncertain significance (ClinVar Variant ID# 579236; Landrum et al., 2016)

Literature cited by the submitters: PubMed 35909573 (cited by Women's Health and Genetics/Laboratory Corporation of America, LabCorp and Ambry Genetics); PubMed 37019085 (cited by Women's Health and Genetics/Laboratory Corporation of America, LabCorp and Ambry Genetics).

NM_000088.4(COL1A1):c.4369G>A (p.Asp1457Asn)

Gene: COL1A1 (collagen type I alpha 1 chain; minus strand). Cytogenetic location: 17q21.33.
Variant type: single nucleotide variant.
Coding change: c.4369G>A on transcript NM_000088.4 (MANE Select); coding-DNA position 4369, G replaced by A.
Protein change: p.Asp1457Asn; replaces aspartic acid 1457 with asparagine.
Molecular consequence: missense variant.
Genome position (GRCh38, 1-based): chr17:50,185,528, C>T on the plus strand (G>A on the coding strand, the complement: COL1A1 is on the minus strand). VCF-style: chr17-50185528-C-T. GRCh37 (hg19) VCF-style: chr17-48262889-C-T.
Other names: short protein forms D1457N.
Identifiers: ClinVar variation 579236 (VCV000579236.42), dbSNP rs761895918, ClinGen allele CA8644172.